The following is an entry in ClinVar:

ClinVar aggregate classification (germline): Uncertain significance. Review status: criteria provided, multiple submitters, no conflicts (2 of 4 stars). 2 submissions from 2 submitters: Uncertain significance (2). Last evaluated 2026-02-07.

Conditions:
Primary dilated cardiomyopathy (DCM). Also called: Dilated Cardiomyopathy. Identifiers: Orphanet 217604, MedGen C0007193, MeSH D002311, MONDO:0005021, HP:0001644. Inheritance: Various modes of inheritance.

Allele frequency attached by ClinVar (database versions not stated): TOPMed below 0.00001; ExAC 0.00001; gnomAD 0.00001; gnomAD exomes 0.00001.
gnomAD v4.1: 14 of 1,612,800 alleles (0.00087%); highest among the groups gnomAD compares: East Asian, 0.016%; no homozygotes.

Submissions (2):

Women's Health and Genetics/Laboratory Corporation of America, LabCorp
Classification: Uncertain significance. Last evaluated: 2026-02-07. Review status: criteria provided, single submitter. Criteria: LabCorp Variant Classification Summary - May 2015. Collection method: clinical testing. Allele origin: germline.

Labcorp Genetics (formerly Invitae), Labcorp
Classification: Uncertain significance for Primary dilated cardiomyopathy. Last evaluated: 2025-11-24. Review status: criteria provided, single submitter. Criteria: Invitae Variant Classification Sherloc (09022015). Collection method: clinical testing. Allele origin: germline.
Comment: This sequence change replaces glycine, which is neutral and non-polar, with alanine, which is neutral and non-polar, at codon 926 of the NEBL protein (p.Gly926Ala). This variant is present in population databases (rs766990450, gnomAD 0.02%). This variant has not been reported in the literature in individuals affected with NEBL-related conditions. ClinVar contains an entry for this variant (Variation ID: 2048695). An algorithm developed to predict the effect of missense changes on protein structure and function (PolyPhen-2) suggests that this variant is likely to be disruptive. Algorithms developed to predict the effect of sequence changes on RNA splicing suggest that this variant may disrupt the consensus splice site. In summary, the available evidence is currently insufficient to determine the role of this variant in disease. Therefore, it has been classified as a Variant of Uncertain Significance.

NM_006393.3(NEBL):c.2777G>C (p.Gly926Ala)

Gene: NEBL (nebulette; minus strand). Cytogenetic location: 10p12.31.
Variant type: single nucleotide variant.
Coding change: c.2777G>C on transcript NM_006393.3 (MANE Select); coding-DNA position 2777, G replaced by C.
Protein change: p.Gly926Ala; replaces glycine 926 with alanine.
Molecular consequence: missense variant.
Genome position (GRCh38, 1-based): chr10:20,787,293, C>G on the plus strand (G>C on the coding strand, the complement: NEBL is on the minus strand). VCF-style: chr10-20787293-C-G. GRCh37 (hg19) VCF-style: chr10-21076222-C-G.
Other names: c.545G>C, p.Gly182Ala (NM_001173484.2, NM_213569.2); c.638G>C, p.Gly213Ala (NM_001377322.1); c.497G>C, p.Gly166Ala (NM_001377323.1); c.488G>C, p.Gly163Ala (NM_001377324.1); c.479G>C, p.Gly160Ala (NM_001377325.1); c.437G>C, p.Gly146Ala (NM_001377326.1, NM_001377327.1, NM_001377328.1); short protein forms G213A, G146A, G166A, G160A, G182A, G926A, G163A.
Identifiers: ClinVar variation 2048695 (VCV002048695.5), dbSNP rs766990450, ClinGen allele CA5432313.